The following is an entry in ClinVar:

ClinVar aggregate classification (germline): Likely benign (0 of 4 stars; one submission).

Conditions:
Malignant tumor of breast. Also called: Malignant breast neoplasm; Cancer breast. Identifiers: MedGen C0006142, MONDO:0007254. Disease mechanism: loss of function.

Submission:

Department of Pathology and Laboratory Medicine, Sinai Health System
Classification: Likely benign for Malignant tumor of breast. Review status: no assertion criteria provided. Collection method: clinical testing. Allele origin: unknown. Affected: yes. Study: The Canadian Open Genetics Repository (COGR).
Comment: The c.793+12G>A variant has not been identified previously in the literature. The c.793+12G>A variant is located in the 5' splice region but does not affect the invariant +1 and +2 positions, or positions +3 to +6 which are part of the splicing consensus sequence and that sometimes affect splicing. In addition, in-silico or computational prediction software (SpliceSiteFinder, MaxEntScan, NNSPLICE, GeneSplicer, HumanSpliceFinder) does not predict a consistent or significant change in the splice site prediction score. In summary, the clinical significance of this variant cannot be determined with certainty at this time, although we would lean towards a more benign role for this variant. This variant is classified as Predicted Benign.

NM_000059.4(BRCA2):c.793+12G>A

Gene: BRCA2 (BRCA2 DNA repair associated; plus strand). Cytogenetic location: 13q13.1.
Variant type: single nucleotide variant.
Coding change: c.793+12G>A on transcript NM_000059.4 (MANE Select); 12 bases into the intron after coding-DNA position 793, G replaced by A.
Molecular consequence: intron variant.
Genome position (GRCh38, 1-based): chr13:32,331,042, G>A. VCF-style: chr13-32331042-G-A. GRCh37 (hg19) VCF-style: chr13-32905179-G-A.
Identifiers: ClinVar variation 433758 (VCV000433758.3), dbSNP rs1555281482, ClinGen allele CA645372988.